The following is an entry in ClinVar:

NM_020529.3(NFKBIA):c.274G>C (p.Glu92Gln)

Gene: NFKBIA (NFKB inhibitor alpha; minus strand). Cytogenetic location: 14q13.2.
Variant type: single nucleotide variant.
Coding change: c.274G>C on transcript NM_020529.3 (MANE Select); coding-DNA position 274, G replaced by C.
Protein change: p.Glu92Gln; replaces glutamic acid 92 with glutamine.
Molecular consequence: missense variant.
Genome position (GRCh38, 1-based): chr14:35,403,752, C>G on the plus strand (G>C on the coding strand, the complement: NFKBIA is on the minus strand). VCF-style: chr14-35403752-C-G. GRCh37 (hg19) VCF-style: chr14-35872958-C-G.
Other names: short protein forms E92Q.
Identifiers: ClinVar variation 4999328 (VCV004999328.1).

ClinVar aggregate classification (germline): Uncertain significance (1 of 4 stars; one submission).

Conditions:
NFKBIA-related disorder. Also called: NFKBIA-related condition.

Submission:

PreventionGenetics, part of Exact Sciences
Classification: Uncertain significance for NFKBIA-related condition. Last evaluated: 2025-04-19. Review status: criteria provided, single submitter. Criteria: ACMG Guidelines, 2015. Collection method: clinical testing. Allele origin: germline.
Comment: The NFKBIA c.274G>C variant is predicted to result in the amino acid substitution p.Glu92Gln. To our knowledge, this variant has not been reported in the literature or in a large population database (gnomAD), indicating this variant is rare. At this time, the clinical significance of this variant is uncertain due to the absence of conclusive functional and genetic evidence.